The following is an entry in ClinVar:

ClinVar aggregate classification (germline): Uncertain significance. Review status: criteria provided, multiple submitters, no conflicts (2 of 4 stars). 2 submissions from 2 submitters: Uncertain significance (2). Last evaluated 2024-06-19.

Allele frequency attached by ClinVar (database versions not stated): gnomAD exomes below 0.00001; TOPMed below 0.00001.
gnomAD v4.1: 2 of 1,612,966 alleles (0.00012%); highest among the groups gnomAD compares: Admixed American, 0.0017%; no homozygotes.

Submissions (2):

Labcorp Genetics (formerly Invitae), Labcorp
Classification: Uncertain significance. Last evaluated: 2024-06-19. Review status: criteria provided, single submitter. Criteria: Invitae Variant Classification Sherloc (09022015). Collection method: clinical testing. Allele origin: germline.
Comment: This sequence change replaces leucine, which is neutral and non-polar, with proline, which is neutral and non-polar, at codon 540 of the RBP3 protein (p.Leu540Pro). The frequency data for this variant in the population databases is considered unreliable, as metrics indicate poor data quality at this position in the gnomAD database. This variant has not been reported in the literature in individuals affected with RBP3-related conditions. ClinVar contains an entry for this variant (Variation ID: 1353975). An algorithm developed to predict the effect of missense changes on protein structure and function (PolyPhen-2) suggests that this variant is likely to be disruptive. In summary, the available evidence is currently insufficient to determine the role of this variant in disease. Therefore, it has been classified as a Variant of Uncertain Significance.

GeneDx
Classification: Uncertain significance. Last evaluated: 2023-08-03. Review status: criteria provided, single submitter. Criteria: GeneDx Variant Classification Process June 2021. Collection method: clinical testing. Allele origin: germline. Affected: yes.
Comment: Not observed at significant frequency in large population cohorts (gnomAD); In silico analysis supports that this missense variant has a deleterious effect on protein structure/function; Has not been previously published as pathogenic or benign to our knowledge

NM_002900.3(RBP3):c.1619T>C (p.Leu540Pro)

Gene: RBP3 (retinol binding protein 3; plus strand). Cytogenetic location: 10q11.22.
Variant type: single nucleotide variant.
Coding change: c.1619T>C on transcript NM_002900.3 (MANE Select); coding-DNA position 1619, T replaced by C.
Protein change: p.Leu540Pro; replaces leucine 540 with proline.
Molecular consequence: missense variant.
Genome position (GRCh38, 1-based): chr10:47,350,103, T>C. VCF-style: chr10-47350103-T-C. GRCh37 (hg19) VCF-style: chr10-48389259-A-G.
Other names: short protein forms L540P.
Identifiers: ClinVar variation 1353975 (VCV001353975.7), dbSNP rs1018184246, ClinGen allele CA206463451.